The following is an entry in ClinVar:

ClinVar aggregate classification (germline): Uncertain significance. Review status: criteria provided, multiple submitters, no conflicts (2 of 4 stars). 2 submissions from 2 submitters: Uncertain significance (2). Last evaluated 2024-09-23.

Allele frequency attached by ClinVar (database versions not stated): ExAC 0.00001; gnomAD exomes 0.00001 and 0.00002.

Submissions (2):

Labcorp Genetics (formerly Invitae), Labcorp
Classification: Uncertain significance. Last evaluated: 2024-09-23. Review status: criteria provided, single submitter. Criteria: Invitae Variant Classification Sherloc (09022015). Collection method: clinical testing. Allele origin: germline.
Comment: This sequence change replaces arginine, which is basic and polar, with tryptophan, which is neutral and slightly polar, at codon 211 of the PCYT1A protein (p.Arg211Trp). This variant is present in population databases (rs758512237, gnomAD 0.03%). This variant has not been reported in the literature in individuals affected with PCYT1A-related conditions. ClinVar contains an entry for this variant (Variation ID: 1380788). Invitae Evidence Modeling of protein sequence and biophysical properties (such as structural, functional, and spatial information, amino acid conservation, physicochemical variation, residue mobility, and thermodynamic stability) indicates that this missense variant is expected to disrupt PCYT1A protein function with a positive predictive value of 80%. In summary, the available evidence is currently insufficient to determine the role of this variant in disease. Therefore, it has been classified as a Variant of Uncertain Significance.

Blueprint Genetics
Classification: Uncertain significance. Last evaluated: 2022-08-25. Review status: criteria provided, single submitter. Criteria: ACMG Guidelines, 2015. Collection method: clinical testing. Allele origin: germline.

NM_001312673.2(PCYT1A):c.631C>T (p.Arg211Trp)

Gene: PCYT1A (phosphate cytidylyltransferase 1A, choline; minus strand). Cytogenetic location: 3q29.
Variant type: single nucleotide variant.
Coding change: c.631C>T on transcript NM_001312673.2 (MANE Select); coding-DNA position 631, C replaced by T.
Protein change: p.Arg211Trp; replaces arginine 211 with tryptophan.
Molecular consequence: missense variant.
Genome position (GRCh38, 1-based): chr3:196,242,025, G>A on the plus strand (C>T on the coding strand, the complement: PCYT1A is on the minus strand). VCF-style: chr3-196242025-G-A. GRCh37 (hg19) VCF-style: chr3-195968896-G-A.
Other names: c.631C>T, p.Arg211Trp (NM_005017.4); short protein forms R211W.
Identifiers: ClinVar variation 1380788 (VCV001380788.7), dbSNP rs758512237, ClinGen allele CA2779477.